The following is an entry in ClinVar:

NM_001378778.1(MPDZ):c.5528C>G (p.Ser1843Ter)

Gene: MPDZ (multiple PDZ domain crumbs cell polarity complex component; minus strand). Cytogenetic location: 9p23.
Variant type: single nucleotide variant.
Coding change: c.5528C>G on transcript NM_001378778.1 (MANE Select); coding-DNA position 5528, C replaced by G.
Protein change: p.Ser1843Ter; replaces serine 1843 with a stop codon.
Molecular consequence: nonsense.
Genome position (GRCh38, 1-based): chr9:13,113,960, G>C on the plus strand (C>G on the coding strand, the complement: MPDZ is on the minus strand). VCF-style: chr9-13113960-G-C. GRCh37 (hg19) VCF-style: chr9-13113959-G-C.
Other names: c.5429C>G, p.Ser1810Ter (NM_001261406.2, NM_001375416.1, NM_001375417.1 and 1 more transcripts); c.5342C>G, p.Ser1781Ter (NM_001261407.2, NM_001375419.1); c.5528C>G, p.Ser1843Ter (NM_001330637.2); c.5627C>G, p.Ser1876Ter (NM_001375413.1); c.5318C>G, p.Ser1773Ter (NM_001375420.1, NM_001375421.1, NM_001375422.1 and 2 more transcripts); c.5231C>G, p.Ser1744Ter (NM_001375425.1, NM_001375426.1); c.5120C>G, p.Ser1707Ter (NM_001375427.1); c.5441C>G, p.Ser1814Ter (NM_003829.5); short protein forms S1744*, S1876*, S1707*, S1781*, S1843*, S1773*, S1810*, S1814*.
Identifiers: ClinVar variation 4721983 (VCV004721983.1).

ClinVar aggregate classification (germline): Pathogenic (1 of 4 stars; one submission).

gnomAD v4.1: 1 of 1,597,406 alleles (0.000063%); highest among the groups gnomAD compares: Admixed American, 0.0017%; no homozygotes.

Submission:

Labcorp Genetics (formerly Invitae), Labcorp
Classification: Pathogenic. Last evaluated: 2025-06-23. Review status: criteria provided, single submitter. Criteria: Invitae Variant Classification Sherloc (09022015). Collection method: clinical testing. Allele origin: germline.
Comment: This sequence change creates a premature translational stop signal (p.Ser1814*) in the MPDZ gene. It is expected to result in an absent or disrupted protein product. Loss-of-function variants in MPDZ are known to be pathogenic (PMID: 23240096, 28556411). This variant is not present in population databases (gnomAD no frequency). This variant has not been reported in the literature in individuals affected with MPDZ-related conditions. For these reasons, this variant has been classified as Pathogenic.

Literature cited by the submitters: PubMed 23240096; PubMed 28556411.